The following is an entry in ClinVar:

NM_000094.4(COL7A1):c.620T>C (p.Leu207Pro)

Gene: COL7A1 (collagen type VII alpha 1 chain; minus strand). Cytogenetic location: 3p21.31.
Variant type: single nucleotide variant.
Coding change: c.620T>C on transcript NM_000094.4 (MANE Select); coding-DNA position 620, T replaced by C.
Protein change: p.Leu207Pro; replaces leucine 207 with proline.
Molecular consequence: missense variant.
Genome position (GRCh38, 1-based): chr3:48,593,164, A>G on the plus strand (T>C on the coding strand, the complement: COL7A1 is on the minus strand). VCF-style: chr3-48593164-A-G. GRCh37 (hg19) VCF-style: chr3-48630597-A-G.
Other names: short protein forms L207P.
Identifiers: ClinVar variation 4760891 (VCV004760891.1).

ClinVar aggregate classification (germline): Uncertain significance (1 of 4 stars; one submission).

Submission:

Labcorp Genetics (formerly Invitae), Labcorp
Classification: Uncertain significance. Last evaluated: 2025-05-27. Review status: criteria provided, single submitter. Criteria: Invitae Variant Classification Sherloc (09022015). Collection method: clinical testing. Allele origin: germline.
Comment: This sequence change replaces leucine, which is neutral and non-polar, with proline, which is neutral and non-polar, at codon 207 of the COL7A1 protein (p.Leu207Pro). This variant is not present in population databases (gnomAD no frequency). This variant has not been reported in the literature in individuals affected with COL7A1-related conditions. Invitae Evidence Modeling of protein sequence and biophysical properties (such as structural, functional, and spatial information, amino acid conservation, physicochemical variation, residue mobility, and thermodynamic stability) has been performed for this missense variant. However, the output from this modeling did not meet the statistical confidence thresholds required to predict the impact of this variant on COL7A1 protein function. In summary, the available evidence is currently insufficient to determine the role of this variant in disease. Therefore, it has been classified as a Variant of Uncertain Significance.